The following is an entry in ClinVar:

NM_000744.7(CHRNA4):c.859G>C (p.Val287Leu)

Gene: CHRNA4 (cholinergic receptor nicotinic alpha 4 subunit; minus strand). Cytogenetic location: 20q13.33.
Variant type: single nucleotide variant.
Coding change: c.859G>C on transcript NM_000744.7 (MANE Select); coding-DNA position 859, G replaced by C.
Protein change: p.Val287Leu; replaces valine 287 with leucine.
Molecular consequence: missense variant. On other transcripts: non-coding transcript variant (1).
Genome position (GRCh38, 1-based): chr20:63,350,552, C>G on the plus strand (G>C on the coding strand, the complement: CHRNA4 is on the minus strand). VCF-style: chr20-63350552-C-G. GRCh37 (hg19) VCF-style: chr20-61981904-C-G.
Other names: c.331G>C, p.Val111Leu (NM_001256573.2); short protein forms V287L, V111L.
Identifiers: ClinVar variation 3664370 (VCV003664370.2).

ClinVar aggregate classification (germline): Uncertain significance (1 of 4 stars; one submission).

Conditions:
Familial sleep-related hypermotor epilepsy. Also called: Autosomal Dominant Sleep-Related Hypermotor (Hyperkinetic) Epilepsy. Identifiers: Orphanet 98784, MedGen C3696898, MONDO:0000030.

Submission:

Labcorp Genetics (formerly Invitae), Labcorp
Classification: Uncertain significance. Last evaluated: 2024-09-03. Review status: criteria provided, single submitter. Criteria: Invitae Variant Classification Sherloc (09022015). Collection method: clinical testing. Allele origin: germline.
Comment: This sequence change replaces valine, which is neutral and non-polar, with leucine, which is neutral and non-polar, at codon 287 of the CHRNA4 protein (p.Val287Leu). This variant is not present in population databases (gnomAD no frequency). This variant has not been reported in the literature in individuals affected with CHRNA4-related conditions. Invitae Evidence Modeling of protein sequence and biophysical properties (such as structural, functional, and spatial information, amino acid conservation, physicochemical variation, residue mobility, and thermodynamic stability) has been performed for this missense variant. However, the output from this modeling did not meet the statistical confidence thresholds required to predict the impact of this variant on CHRNA4 protein function. In summary, the available evidence is currently insufficient to determine the role of this variant in disease. Therefore, it has been classified as a Variant of Uncertain Significance.